The following is an entry in ClinVar:

ClinVar aggregate classification (germline): Pathogenic (1 of 4 stars; one submission).

Allele frequency attached by ClinVar (database versions not stated): ExAC 0.00001.
gnomAD v4.1: 2 of 1,614,142 alleles (0.00012%); highest among the groups gnomAD compares: Admixed American, 0.0017%; no homozygotes.

Submission:

Labcorp Genetics (formerly Invitae), Labcorp
Classification: Pathogenic. Last evaluated: 2022-07-19. Review status: criteria provided, single submitter. Criteria: Invitae Variant Classification Sherloc (09022015). Collection method: clinical testing. Allele origin: germline.
Comment: For these reasons, this variant has been classified as Pathogenic. Algorithms developed to predict the effect of sequence changes on RNA splicing suggest that this variant may disrupt the consensus splice site. Disruption of this splice site has been observed in individuals with autosomal recessive bestrophinopathy (PMID: 10854112, 24859690, 29555955). This variant is present in population databases (rs62637337, gnomAD 0.003%). This sequence change affects a donor splice site in intron 5 of the BEST1 gene. It is expected to disrupt RNA splicing. Variants that disrupt the donor or acceptor splice site typically lead to a loss of protein function (PMID: 16199547), and loss-of-function variants in BEST1 are known to be pathogenic (PMID: 21825197).

Literature cited by the submitters: PubMed 10854112; PubMed 24859690; PubMed 29555955; PubMed 16199547; PubMed 21825197.

NM_004183.4(BEST1):c.636+1G>T

Gene: BEST1 (bestrophin 1; plus strand). Cytogenetic location: 11q12.3.
Variant type: single nucleotide variant.
Coding change: c.636+1G>T on transcript NM_004183.4 (MANE Select); the canonical splice donor site of the intron after coding-DNA position 636, G replaced by T.
Molecular consequence: splice donor variant.
Genome position (GRCh38, 1-based): chr11:61,956,999, G>T. VCF-style: chr11-61956999-G-T. GRCh37 (hg19) VCF-style: chr11-61724471-G-T.
Other names: c.636+1G>T (NM_001363592.2, NM_001440571.1, NM_001440572.1 and 1 more transcripts); c.456+1G>T (NM_001139443.3, NM_001300787.2, NM_001440574.1 and 3 more transcripts); c.-540+1G>T (NM_001363593.3); c.318+1G>T (NM_001363591.3).
Identifiers: ClinVar variation 2014797 (VCV002014797.4), dbSNP rs62637337, ClinGen allele CA6040784.